The following is an entry in ClinVar:

NM_014362.4(HIBCH):c.488G>C (p.Cys163Ser)

Gene: HIBCH (3-hydroxyisobutyryl-CoA hydrolase; minus strand). Cytogenetic location: 2q32.2.
Variant type: single nucleotide variant.
Coding change: c.488G>C on transcript NM_014362.4 (MANE Select); coding-DNA position 488, G replaced by C.
Protein change: p.Cys163Ser; replaces cysteine 163 with serine.
Molecular consequence: missense variant.
Genome position (GRCh38, 1-based): chr2:190,261,185, C>G on the plus strand (G>C on the coding strand, the complement: HIBCH is on the minus strand). VCF-style: chr2-190261185-C-G. GRCh37 (hg19) VCF-style: chr2-191125911-C-G.
Other names: p.Cys163Ser; c.488G>C, p.Cys163Ser (NM_198047.3); short protein forms C163S.
Identifiers: ClinVar variation 382970 (VCV000382970.15), dbSNP rs74832989, ClinGen allele CA2027616.

ClinVar aggregate classification (germline): Benign. Review status: criteria provided, multiple submitters, no conflicts (2 of 4 stars). 5 submissions from 5 submitters: Benign (4). 1 of the submissions does not count toward it. Last evaluated 2026-01-27.

Conditions:
HIBCH-related disorder. Also called: HIBCH-related condition.
3-hydroxyisobutyryl-CoA hydrolase deficiency. Also called: METHACRYLIC ACID TOXICITY; METHACRYLIC ACIDURIA; Reduced circulating 3-hydroxyisobutyryl-CoA hydrolase activity; Deficiency of 3-hydroxyisobutyryl CoA hydrolase; VALINE METABOLIC DEFECT; HIBCH DEFICIENCY. Identifiers: Orphanet 88639, MedGen C0342738, MONDO:0009603, OMIM 250620, HP:6000215.

Allele frequency attached by ClinVar (database versions not stated): gnomAD 0.01849; 1000 Genomes Project 0.01997; ESP Exome Variant Server 0.02022; TOPMed 0.02026; 1000 Genomes Project 30x 0.02155.
gnomAD v4.1: 6,270 of 1,613,038 alleles (0.39%); highest among the groups gnomAD compares: African/African-American, 6.5%; 183 homozygotes.

Submissions (5):

Labcorp Genetics (formerly Invitae), Labcorp
Classification: Benign for 3-hydroxyisobutyryl-CoA hydrolase deficiency. Last evaluated: 2026-01-27. Review status: criteria provided, single submitter. Criteria: Invitae Variant Classification Sherloc (09022015). Collection method: clinical testing. Allele origin: germline.

Mayo Clinic Laboratories, Mayo Clinic
Classification: Benign. Last evaluated: 2022-07-08. Review status: criteria provided, single submitter. Criteria: ACMG Guidelines, 2015. Collection method: clinical testing. Allele origin: germline. Observed: 23 variant alleles.

GeneDx
Classification: Benign. Last evaluated: 2016-03-09. Review status: criteria provided, single submitter. Criteria: GeneDx Variant Classification (06012015). Collection method: clinical testing. Allele origin: germline. Affected: yes.
Comment: This variant is considered likely benign or benign based on one or more of the following criteria: it is a conservative change, it occurs at a poorly conserved position in the protein, it is predicted to be benign by multiple in silico algorithms, and/or has population frequency not consistent with disease.

Breakthrough Genomics
Classification: Benign. Review status: criteria provided, single submitter. Criteria: ACMG Guidelines, 2015. Collection method: not provided. Allele origin: germline. Inheritance: Autosomal recessive inheritance. Affected: yes.

PreventionGenetics, part of Exact Sciences
Classification: Benign for HIBCH-related condition. Last evaluated: 2020-01-13. Review status: no assertion criteria provided. Collection method: clinical testing. Allele origin: germline. Not counted in ClinVar's aggregate classification.
Comment: This variant is classified as benign based on ACMG/AMP sequence variant interpretation guidelines (Richards et al. 2015 PMID: 25741868, with internal and published modifications).